The following is an entry in ClinVar:

NM_006009.4(TUBA1A):c.467G>A (p.Arg156His)

Gene: TUBA1A (tubulin alpha 1a; minus strand). Cytogenetic location: 12q13.12.
Variant type: single nucleotide variant.
Coding change: c.467G>A on transcript NM_006009.4 (MANE Select); coding-DNA position 467, G replaced by A.
Protein change: p.Arg156His; replaces arginine 156 with histidine.
Molecular consequence: missense variant.
Genome position (GRCh38, 1-based): chr12:49,185,899, C>T on the plus strand (G>A on the coding strand, the complement: TUBA1A is on the minus strand). VCF-style: chr12-49185899-C-T. GRCh37 (hg19) VCF-style: chr12-49579682-C-T.
Other names: c.467G>A, p.Arg156His (NM_001270399.2); c.362G>A, p.Arg121His (NM_001270400.2); c.467G>A (NM_006009.2, NM_006009.3); short protein forms R121H, R156H.
Identifiers: ClinVar variation 988579 (VCV000988579.3), dbSNP rs1942174390, ClinGen allele CA384642420.
Genomic context (GRCh38, chr12:49,185,899, plus strand): 5'-TGGGGCGCCGGGTAAATAGAGAACTCCAGCTTGGACTTCTTGCCATAATCAACTGAGAGA[C>T]GTTCCATGAGCAGCGAGGTGAACCCAGAACCAGTTCCCCCACCAAAGCTGTGGAAAACCA-3'
Protein context (NP_006000.2, residues 146-166): GSGFTSLLME[Arg156His]LSVDYGKKSK

ClinVar aggregate classification (germline): Pathogenic/Likely pathogenic. Review status: criteria provided, multiple submitters, no conflicts (2 of 4 stars). 3 submissions from 3 submitters: Pathogenic (1); Likely pathogenic (2). Last evaluated 2024-09-23.

Conditions:
Congenital fibrosis of extraocular muscles. Also called: Congenital Fibrosis of the Extraocular Muscles. Identifiers: Orphanet 45358, MedGen C1302995, MONDO:0007614, HP:0001491.

Submissions (3):

Victorian Clinical Genetics Services, Murdoch Childrens Research Institute
Classification: Likely pathogenic for Congenital fibrosis of extraocular muscles. Last evaluated: 2024-09-23. Review status: criteria provided, single submitter. Criteria: ACMG Guidelines, 2015. Collection method: clinical testing. Allele origin: germline. Inheritance: Autosomal dominant inheritance. Affected: yes.
Comment: Based on the classification scheme VCGS_Germline_v1.3.4, this variant is classified as Likely pathogenic. Following criteria are met: 0104 - Dominant negative is a known mechanism of disease in this gene and is associated with lissencephaly 3, resulting in defects in protein stability (MIM#61160; PMIDs: 20466733, 30517687). A phenotypic spectrum including congenital fibrosis of the extraocular muscles has also been described (PMID: 33649541). (I) 0107 - This gene is associated with autosomal dominant disease. (I) 0200 - Variant is predicted to result in a missense amino acid change from arginine to histidine. (I) 0251 - This variant is heterozygous. (I) 0301 - Variant is absent from gnomAD (both v2 and v3). (SP) 0502 - Missense variant with conflicting in silico predictions and high conservation. (I) 0603 - Missense variant in a region that is highly intolerant to missense variation (high constraint region in DECIPHER). (SP) 0704 - Another missense variant comparable to the one identified in this case has limited previous evidence for pathogenicity. p.(Arg156Gly) has been observed in an individual with epilepsy and malformations of cortical development (PMID: 31269740). (SP) 0802 - This variant has moderate previous evidence of pathogenicity in unrelated individuals. This variant has been observed as de novo in an individual with congenital fibrosis of the extraocular muscles, brain MRI abnormalities and mild developmental delays (PMID: 33649541). (SP) 0905 - No published segregation evidence has been identified for this variant. (I) 1007 - No published functional evidence has been identified for this variant. (I) 1208 - Inheritance information for this variant is not currently available in this individual. (I) Legend: (SP) - Supporting pathogenic, (I) - Information, (SB) - Supporting benign

GeneDx
Classification: Pathogenic. Last evaluated: 2023-07-20. Review status: criteria provided, single submitter. Criteria: GeneDx Variant Classification Process June 2021. Collection method: clinical testing. Allele origin: germline. Affected: yes.
Comment: Missense variants in this gene are often considered pathogenic (HGMD); Not observed at significant frequency in large population cohorts (gnomAD); In silico analysis supports that this missense variant has a deleterious effect on protein structure/function; This variant is associated with the following publications: (PMID: 36360333, 33649541)

Engle Laboratory, Boston Children's Hospital
Classification: Likely pathogenic for Congenital fibrosis of extraocular muscles. Last evaluated: 2020-11-25. Review status: criteria provided, single submitter. Criteria: ACMG Guidelines, 2015. Collection method: research. Allele origin: de novo. Affected: yes. Observed: 1 variant allele, 1 heterozygote.
Comment: We have classified this variant using ACMG criteria (Richards et al., 2015) in November of 2020. These criteria are not applicable for novel gene identification and have limited utility for significant novel phenotype expansion. Classification is provided for established TUBA1A-associated tubulinopathy phenotypes, but excludes novel phenotypes that have been observed in the proband with this variant but are not yet well established in association with TUBA1A variants, e.g. congenital fibrosis of the extraocular muscles. We have thus classified the p.(Arg156His) variant as likely pathogenic for classic tubulinopathy phenotypes based on the following evidence: 1) The p.(Arg156His) variant is a non-truncating nonsynonymous variant in a residue located in the Î± helix H4 of TUBA1A. This is a functionally important region which is depleted of benign missense variants, and other residues within Î± helix H4 have been previously associated with tubulinopathies (PM1_Moderate). 2) The p.(Arg156His) variant has not been reported in the gnomAD database (PM2_Moderate). Paternity and maternity has been confirmed. (PS2_Strong). 4) The TUBA1A gene is lacking in missense benign variants, and missense TUBA1A variants are a common mechanism of disease. The gene is heavily missense constrained (PP2_Supporting).

Literature cited by the submitters: PubMed 20466733 (cited by Victorian Clinical Genetics Services, Murdoch Childrens Research Institute); PubMed 30517687 (cited by Victorian Clinical Genetics Services, Murdoch Childrens Research Institute); PubMed 31269740 (cited by Victorian Clinical Genetics Services, Murdoch Childrens Research Institute); PubMed 33649541 (cited by Victorian Clinical Genetics Services, Murdoch Childrens Research Institute).